The following is an entry in ClinVar:

NM_000180.4(GUCY2D):c.1659T>G (p.Gly553=)

Gene: GUCY2D (guanylate cyclase 2D, retinal; plus strand). Cytogenetic location: 17p13.1.
Variant type: single nucleotide variant.
Coding change: c.1659T>G on transcript NM_000180.4 (MANE Select); coding-DNA position 1659, T replaced by G.
Protein change: p.Gly553=; no amino-acid change (glycine 553 retained).
Molecular consequence: synonymous variant.
Genome position (GRCh38, 1-based): chr17:8,008,023, T>G. VCF-style: chr17-8008023-T-G. GRCh37 (hg19) VCF-style: chr17-7911341-T-G.
Other names: c.1659T>G (NM_000180.3).
Identifiers: ClinVar variation 1167641 (VCV001167641.11), dbSNP rs766570845, ClinGen allele CA8365832.

ClinVar aggregate classification (germline): Benign/Likely benign. Review status: criteria provided, multiple submitters, no conflicts (2 of 4 stars). 3 submissions from 3 submitters: Benign (1); Likely benign (2). Last evaluated 2026-01-27.

Conditions:
Leber congenital amaurosis 1 (LCA1). Also called: Congenital absence of the rods and cones; Leber's congenital tapetoretinal degeneration; Leber's congenital tapetoretinal dysplasia; AMAUROSIS CONGENITA OF LEBER I; RETINAL BLINDNESS, CONGENITAL. Identifiers: Orphanet 65, MedGen C2931258, MONDO:0008764, OMIM 204000.
Cone-rod dystrophy 6 (CORD6). Also called: Cone dystrophy progressive; RETINAL CONE DYSTROPHY 2. Identifiers: Orphanet 1872, MedGen C1866293, MONDO:0011143, OMIM 601777.
GUCY2D-related disorder. Also called: GUCY2D-related condition.

Allele frequency attached by ClinVar (database versions not stated): TOPMed 0.00001; gnomAD exomes 0.00007 and 0.00025; ExAC 0.00009.

Submissions (3):

PreventionGenetics, part of Exact Sciences
Classification: Likely benign for GUCY2D-related condition. Last evaluated: 2026-01-27. Review status: criteria provided, single submitter. Criteria: ACMG Guidelines, 2015. Collection method: clinical testing. Allele origin: germline.
Comment: This variant is classified as likely benign based on ACMG/AMP sequence variant interpretation guidelines (Richards et al. 2015 PMID: 25741868, with internal and published modifications).

Labcorp Genetics (formerly Invitae), Labcorp
Classification: Benign for Leber congenital amaurosis 1; Cone-rod dystrophy 6. Last evaluated: 2024-12-05. Review status: criteria provided, single submitter. Criteria: Invitae Variant Classification Sherloc (09022015). Collection method: clinical testing. Allele origin: germline.

Blueprint Genetics
Classification: Likely benign. Last evaluated: 2024-08-06. Review status: criteria provided, single submitter. Criteria: ACMG Guidelines, 2015. Collection method: clinical testing. Allele origin: germline.